The following is an entry in ClinVar:

ClinVar aggregate classification (germline): Uncertain significance (1 of 4 stars; one submission).

Allele frequency attached by ClinVar (database versions not stated): gnomAD 0.00001; gnomAD exomes 0.00001; TOPMed 0.00001; ExAC 0.00002; 1000 Genomes Project 30x 0.00016; 1000 Genomes Project 0.00020.

Submission:

Labcorp Genetics (formerly Invitae), Labcorp
Classification: Uncertain significance. Last evaluated: 2022-04-21. Review status: criteria provided, single submitter. Criteria: Invitae Variant Classification Sherloc (09022015). Collection method: clinical testing. Allele origin: germline.
Comment: This sequence change replaces glycine, which is neutral and non-polar, with serine, which is neutral and polar, at codon 334 of the CLCN2 protein (p.Gly334Ser). This variant is present in population databases (rs187027313, gnomAD 0.007%). This variant has not been reported in the literature in individuals affected with CLCN2-related conditions. Advanced modeling of protein sequence and biophysical properties (such as structural, functional, and spatial information, amino acid conservation, physicochemical variation, residue mobility, and thermodynamic stability) performed at Invitae indicates that this missense variant is not expected to disrupt CLCN2 protein function. In summary, the available evidence is currently insufficient to determine the role of this variant in disease. Therefore, it has been classified as a Variant of Uncertain Significance.

NM_004366.6(CLCN2):c.1000G>A (p.Gly334Ser)

Gene: CLCN2 (chloride voltage-gated channel 2; minus strand). Cytogenetic location: 3q27.1.
Variant type: single nucleotide variant.
Coding change: c.1000G>A on transcript NM_004366.6 (MANE Select); coding-DNA position 1000, G replaced by A.
Protein change: p.Gly334Ser; replaces glycine 334 with serine.
Molecular consequence: missense variant.
Genome position (GRCh38, 1-based): chr3:184,357,078, C>T on the plus strand (G>A on the coding strand, the complement: CLCN2 is on the minus strand). VCF-style: chr3-184357078-C-T. GRCh37 (hg19) VCF-style: chr3-184074866-C-T.
Other names: c.1000G>A, p.Gly334Ser (NM_001171087.3, NM_001171089.3); c.868G>A, p.Gly290Ser (NM_001171088.3); short protein forms G334S, G290S.
Identifiers: ClinVar variation 2168223 (VCV002168223.1), dbSNP rs187027313, ClinGen allele CA2734266.